The following is an entry in ClinVar:

NM_001355436.2(SPTB):c.5287A>G (p.Ser1763Gly)

Gene: SPTB (spectrin beta, erythrocytic; minus strand). Cytogenetic location: 14q23.3.
Variant type: single nucleotide variant.
Coding change: c.5287A>G on transcript NM_001355436.2 (MANE Select); coding-DNA position 5287, A replaced by G.
Protein change: p.Ser1763Gly; replaces serine 1763 with glycine.
Molecular consequence: missense variant.
Genome position (GRCh38, 1-based): chr14:64,772,846, T>C on the plus strand (A>G on the coding strand, the complement: SPTB is on the minus strand). VCF-style: chr14-64772846-T-C. GRCh37 (hg19) VCF-style: chr14-65239564-T-C.
Other names: NM_000347.5:c.5287A>G; c.5287A>G, p.Ser1763Gly (NM_001024858.4, NM_001355437.2); short protein forms S1763G.
Identifiers: ClinVar variation 440306 (VCV000440306.14), dbSNP rs200617821, ClinGen allele CA7230003.

ClinVar aggregate classification (germline): Uncertain significance. Review status: criteria provided, multiple submitters, no conflicts (2 of 4 stars). 4 submissions from 4 submitters: Uncertain significance (4). Last evaluated 2025-05-04.

Conditions:
Inborn genetic diseases. Identifiers: MedGen C0950123, MeSH D030342.

Allele frequency attached by ClinVar (database versions not stated): gnomAD 0.00003 and 0.00005; gnomAD exomes 0.00006; TOPMed 0.00007; ExAC 0.00009; ESP Exome Variant Server 0.00031.
gnomAD v4.1: 94 of 1,613,510 alleles (0.0058%); highest among the groups gnomAD compares: Middle Eastern, 0.033%; no homozygotes.

Submissions (4):

Labcorp Genetics (formerly Invitae), Labcorp
Classification: Uncertain significance. Last evaluated: 2025-05-04. Review status: criteria provided, single submitter. Criteria: Invitae Variant Classification Sherloc (09022015). Collection method: clinical testing. Allele origin: germline.
Comment: This sequence change replaces serine, which is neutral and polar, with glycine, which is neutral and non-polar, at codon 1763 of the SPTB protein (p.Ser1763Gly). This variant is present in population databases (rs200617821, gnomAD 0.01%). This variant has not been reported in the literature in individuals affected with SPTB-related conditions. ClinVar contains an entry for this variant (Variation ID: 440306). An algorithm developed to predict the effect of missense changes on protein structure and function outputs the following: PolyPhen-2: "Benign". The glycine amino acid residue is found in multiple mammalian species, which suggests that this missense change does not adversely affect protein function. In summary, the available evidence is currently insufficient to determine the role of this variant in disease. Therefore, it has been classified as a Variant of Uncertain Significance.

Mayo Clinic Laboratories, Mayo Clinic
Classification: Uncertain significance. Last evaluated: 2025-01-02. Review status: criteria provided, single submitter. Criteria: ACMG Guidelines, 2015. Collection method: clinical testing. Allele origin: germline. Observed: 1 variant allele.
Comment: BP4_moderate, PM2_supporting

Ambry Genetics
Classification: Uncertain significance for Inborn genetic diseases. Last evaluated: 2024-05-08. Review status: criteria provided, single submitter. Criteria: Ambry Variant Classification Scheme 2023. Collection method: clinical testing. Allele origin: germline.

ARUP Laboratories, Molecular Genetics and Genomics, ARUP Laboratories
Classification: Uncertain significance. Last evaluated: 2020-07-22. Review status: criteria provided, single submitter. Criteria: ARUP Molecular Germline Variant Investigation Process. Collection method: clinical testing. Allele origin: germline.